The following is an entry in ClinVar:

ClinVar aggregate classification (germline): Uncertain significance. Review status: criteria provided, single submitter (1 of 4 stars). 2 submissions from 2 submitters: Uncertain significance (1). 1 of the submissions does not count toward it. Last evaluated 2015-09-22.

Conditions:
CNGA1-related disorder. Also called: CNGA1-related condition.

Allele frequency attached by ClinVar (database versions not stated): gnomAD 0.00001; TOPMed 0.00001.
gnomAD v4.1: 21 of 1,613,888 alleles (0.0013%); highest among the groups gnomAD compares: South Asian, 0.0044%; no homozygotes.

Submissions (2):

Eurofins Ntd Llc (ga)
Classification: Uncertain significance. Last evaluated: 2015-09-22. Review status: criteria provided, single submitter. Criteria: EGL Classification Definitions 2015. Collection method: clinical testing. Allele origin: germline. Observed: 1 variant allele, 1 heterozygote.

PreventionGenetics, part of Exact Sciences
Classification: Likely benign for CNGA1-related condition. Last evaluated: 2019-07-11. Review status: no assertion criteria provided. Collection method: clinical testing. Allele origin: germline. Not counted in ClinVar's aggregate classification.
Comment: This variant is classified as likely benign based on ACMG/AMP sequence variant interpretation guidelines (Richards et al. 2015 PMID: 25741868, with internal and published modifications).

NM_001379270.1(CNGA1):c.1560C>T (p.Leu520=)

Genes: CNGA1 (cyclic nucleotide gated channel subunit alpha 1; minus strand), LOC101927157 (uncharacterized LOC101927157; plus strand). Cytogenetic location: 4p12.
Variant type: single nucleotide variant.
Coding change: c.1560C>T on transcript NM_001379270.1 (MANE Select); coding-DNA position 1560, C replaced by T.
Protein change: p.Leu520=; no amino-acid change (leucine 520 retained).
Molecular consequence: synonymous variant.
Genome position (GRCh38, 1-based): chr4:47,936,922, G>A on the plus strand (C>T on the coding strand, the complement: CNGA1 is on the minus strand). VCF-style: chr4-47936922-G-A. GRCh37 (hg19) VCF-style: chr4-47938939-G-A.
Other names: c.1560C>T, p.Leu520= (NM_000087.5, NM_001142564.2); c.1572C>T (NM_000087.3).
Identifiers: ClinVar variation 283188 (VCV000283188.6), dbSNP rs775781523, ClinGen allele CA10604421.